The following is an entry in ClinVar:

ClinVar aggregate classification (germline): Pathogenic. Review status: reviewed by expert panel (3 of 4 stars). 5 submissions from 5 submitters: Pathogenic (1). 4 of the submissions do not count toward it. Last evaluated 2022-04-25.

Conditions:
Hereditary thrombocytopenia and hematologic cancer predisposition syndrome. Identifiers: Orphanet 71290, MedGen CN281654, MONDO:0011071.
Acute myeloid leukemia (AML). Also called: Leukemia, acute myeloid, somatic; Leukemia, acute myelogenous, somatic; Acute myeloid leukemia, adult; AML adult; Acute non-lymphocytic leukemia; Acute granulocytic leukemia. Identifiers: Orphanet 519, MedGen C0023467, MeSH D015470, MONDO:0018874, OMIM 601626, HP:0004808. Disease mechanism: Constitutively activated FLT3.
Hereditary thrombocytopenia and hematological cancer predisposition syndrome associated with RUNX1. Also called: Familial Platelet Disorder with Propensity to Acute Myelogenous Leukemia; Familial thrombocytopenia with propensity to acute myelogenous leukemia; PLATELET DISORDER, ASPIRIN-LIKE; RUNX1 Familial Platelet Disorder with Associated Myeloid Malignancies. Identifiers: Orphanet 71290, MedGen C1832388, MeSH C563324, MONDO:0100083, OMIM 601399.

Allele frequency attached by ClinVar (database versions not stated): TOPMed below 0.00001; gnomAD 0.00001.

Submissions (5):

ClinGen Myeloid Malignancy Variant Curation Expert Panel
Classification: Pathogenic for Hereditary thrombocytopenia and hematologic cancer predisposition syndrome. Last evaluated: 2022-04-25. Review status: reviewed by expert panel. Criteria: ClinGen MyeloMalig ACMG Specifications v2. Collection method: curation. Allele origin: germline. Inheritance: Autosomal dominant inheritance.
Comment: NM_001754.5(RUNX1):c.496C>T (p.Arg166Ter) is a nonsense variant that is predicted to undergo NMD (PVS1, SNV Tree). This variant is completely absent from all population databases with at least 20x coverage for RUNX1 (PM2_supporting). This variant has been reported in one proband meeting at least one of the RUNX1-phenotypic criteria (PS4_ Supporting; PMID: 27210295). In summary, this variant meets the criteria to be classified as pathogenic. ACMG/AMP criteria applied, as specified by the Myeloid Malignancy Variant Curation Expert Panel for RUNX1: PVS1, PM2_supporting, PS4_supporting.

Labcorp Genetics (formerly Invitae), Labcorp
Classification: Pathogenic for Hereditary thrombocytopenia and hematological cancer predisposition syndrome associated with RUNX1. Last evaluated: 2024-12-12. Review status: criteria provided, single submitter. Criteria: Invitae Variant Classification Sherloc (09022015). Collection method: clinical testing. Allele origin: germline. Not counted in ClinVar's aggregate classification.
Comment: This sequence change creates a premature translational stop signal (p.Arg166*) in the RUNX1 gene. It is expected to result in an absent or disrupted protein product. Loss-of-function variants in RUNX1 are known to be pathogenic (PMID: 18723428, 24100448). This variant is not present in population databases (gnomAD no frequency). This premature translational stop signal has been observed in individual(s) with features of RUNX1-related conditions (PMID: 21725049, 26525156, 28659335). It has also been observed to segregate with disease in related individuals. This variant is also known as p.R139X. ClinVar contains an entry for this variant (Variation ID: 1459069). For these reasons, this variant has been classified as Pathogenic.

Fulgent Genetics
Classification: Pathogenic for Hereditary thrombocytopenia and hematological cancer predisposition syndrome associated with RUNX1; Acute myeloid leukemia. Last evaluated: 2024-05-07. Review status: criteria provided, single submitter. Criteria: ACMG Guidelines, 2015. Collection method: clinical testing. Allele origin: germline. Not counted in ClinVar's aggregate classification.

GeneDx
Classification: Pathogenic. Last evaluated: 2022-04-25. Review status: criteria provided, single submitter. Criteria: GeneDx Variant Classification Process June 2021. Collection method: clinical testing. Allele origin: germline. Affected: yes. Not counted in ClinVar's aggregate classification.
Comment: Nonsense variant predicted to result in protein truncation or nonsense mediated decay in a gene for which loss-of-function is a known mechanism of disease; Observed in several individuals with familial platelet disorder/acute myeloid leukemia, and found to segregate with disease in multiple affected individuals from several families as well as occur de novo with confirmed parentage in patients tested at GeneDx and in published literature (Haslam 2016, Latger-Cannard 2016, Kanagal-Shamanna 2017); Published functional studies demonstrate defective hematopoiesis (Bluteau 2011, Bluteau 2012); Not observed in large population cohorts (gnomAD); Also known as p.Arg139Ter; This variant is associated with the following publications: (PMID: 26525156, 27112265, 28659335, 21725049, 22898599, 31124578, 33351114, 32315381)

ISTH-SSC Genomics in Thrombosis and Hemostasis, KU Leuven, Center for Molecular and Vascular Biology
Classification: Pathogenic for Hereditary thrombocytopenia and hematological cancer predisposition syndrome associated with RUNX1. Review status: no assertion criteria provided. Collection method: research. Allele origin: unknown. Affected: yes. Not counted in ClinVar's aggregate classification.
Comment: Submitted to GoldVariant by Dr Marie-Christine Morel-Kopp from Northern Blood Research Centre, Sydney, Australia

Literature cited by the submitters: PubMed 18723428 (cited by Labcorp Genetics (formerly Invitae), Labcorp); PubMed 24100448 (cited by Labcorp Genetics (formerly Invitae), Labcorp); PubMed 21725049 (cited by Labcorp Genetics (formerly Invitae), Labcorp); PubMed 26525156 (cited by Labcorp Genetics (formerly Invitae), Labcorp); PubMed 28659335 (cited by Labcorp Genetics (formerly Invitae), Labcorp).

NM_001754.5(RUNX1):c.496C>T (p.Arg166Ter)

Genes: RUNX1 (RUNX family transcription factor 1; minus strand), RUNX1-AS1 (RUNX1 antisense RNA 1; plus strand). Cytogenetic location: 21q22.12.
Variant type: single nucleotide variant.
Coding change: c.496C>T on transcript NM_001754.5 (MANE Select); coding-DNA position 496, C replaced by T.
Protein change: p.Arg166Ter; replaces arginine 166 with a stop codon.
Molecular consequence: nonsense.
Genome position (GRCh38, 1-based): chr21:34,880,569, G>A on the plus strand (C>T on the coding strand, the complement: RUNX1 is on the minus strand). VCF-style: chr21-34880569-G-A. GRCh37 (hg19) VCF-style: chr21-36252866-G-A.
Other names: NM_001754.5(RUNX1):c.496C>T; p.Arg166Ter; c.415C>T, p.Arg139Ter (NM_001001890.3, NM_001122607.2); short protein forms R166*, R139*.
Identifiers: ClinVar variation 1459069 (VCV001459069.9), dbSNP rs759068561, ClinGen allele CA410202490.